The following is an entry in ClinVar:

NM_013372.7(GREM1):c.77A>G (p.Lys26Arg)

Gene: GREM1 (gremlin 1, DAN family BMP antagonist; plus strand). Cytogenetic location: 15q13.3.
Variant type: single nucleotide variant.
Coding change: c.77A>G on transcript NM_013372.7 (MANE Select); coding-DNA position 77, A replaced by G.
Protein change: p.Lys26Arg; replaces lysine 26 with arginine.
Molecular consequence: missense variant. On other transcripts: intron variant (1).
Genome position (GRCh38, 1-based): chr15:32,730,767, A>G. VCF-style: chr15-32730767-A-G. GRCh37 (hg19) VCF-style: chr15-33022968-A-G.
Other names: c.77A>G, p.Lys26Arg (NM_001191323.2, NM_001368719.1); c.27+50A>G (NM_001191322.2); short protein forms K26R.
Identifiers: ClinVar variation 1710971 (VCV001710971.6), dbSNP rs199894051, ClinGen allele CA7456101.
Genomic context (GRCh38, chr15:32,730,767, plus strand): 5'-ACACGGTGGGAGCCCTGCTTCTCCTCTTGGGGACCCTGCTGCCGGCTGCTGAAGGGAAAA[A>G]GAAAGGGTCCCAAGGTGCCATCCCCCCGCCAGACAAGGCCCAGCACAATGACTCAGAGCA-3'
Protein context (NP_037504.1, residues 16-36): GTLLPAAEGK[Lys26Arg]KGSQGAIPPP

ClinVar aggregate classification (germline): Uncertain significance. Review status: criteria provided, multiple submitters, no conflicts (2 of 4 stars). 5 submissions from 4 submitters: Uncertain significance (5). Last evaluated 2025-07-30.

Conditions:
Hereditary cancer-predisposing syndrome. Also called: Neoplastic Syndromes, Hereditary; Hereditary neoplastic syndrome; Hereditary Cancer Syndrome; Tumor predisposition. Identifiers: Orphanet 140162, MedGen C0027672, MeSH D009386, MONDO:0015356.
Polyposis syndrome, hereditary mixed, 1 (HMPS1). Also called: CHROMOSOME 15q13-q14 DUPLICATION SYNDROME, 40-KB; COLORECTAL ADENOMA AND CARCINOMA 1. Identifiers: Orphanet 157794, MedGen C1832587, MONDO:0042486, OMIM 601228.
GREM1-related disorder. Also called: GREM1-related condition.
Hereditary mixed polyposis syndrome. Also called: Hereditary Mixed Polyposis. Identifiers: Orphanet 157794, MedGen C5192681, MONDO:0011023.

Allele frequency attached by ClinVar (database versions not stated): ExAC 0.00004; gnomAD 0.00008; TOPMed 0.00009; gnomAD exomes 0.00025.
gnomAD v4.1: 369 of 1,612,428 alleles (0.023%); highest among the groups gnomAD compares: Non-Finnish European, 0.03%; no homozygotes.

Submissions (5):

PreventionGenetics, part of Exact Sciences
Classification: Uncertain significance for GREM1-related condition. Last evaluated: 2025-07-30. Review status: criteria provided, single submitter. Criteria: ACMG Guidelines, 2015. Collection method: clinical testing. Allele origin: germline.
Comment: The GREM1 c.77A>G variant is predicted to result in the amino acid substitution p.Lys26Arg. This variant was identified in an individuals with a suspected hereditary cancer syndrome (Table S4, Bhai et al. 2021. PubMed ID: 34326862). This variant is reported in 0.013% of alleles in individuals of European (Non-Finnish) descent in gnomAD and is classified as a variant of uncertain significance in ClinVar (Variation ID: 1710971). At this time, the clinical significance of this variant is uncertain due to the absence of conclusive functional and genetic evidence.

St. Jude Molecular Pathology, St. Jude Children's Research Hospital
Classification: Uncertain significance for Polyposis syndrome, hereditary mixed, 1. Last evaluated: 2025-02-05. Review status: criteria provided, single submitter. Criteria: St. Jude Assertion Criteria 2020. Collection method: clinical testing. Allele origin: germline.
Comment: The GREM1 c.77A>G (p.Lys26Arg) missense change has a maximum subpopulation frequency of 0.013% in gnomAD v2.1.1. The in silico tool REVEL predicts a benign effect on protein function, but to our knowledge this prediction has not been confirmed by functional studies. To our knowledge, this variant has not been reported in individuals with hereditary mixed polyposis syndrome. In summary, the evidence currently available is insufficient to determine the clinical significance of this variant. It has therefore been classified as of uncertain significance.

Molecular Pathology, Peter Maccallum Cancer Centre
Classification: Uncertain significance for Hereditary mixed polyposis syndrome. Last evaluated: 2024-09-12. Review status: criteria provided, single submitter. Criteria: ACMG Guidelines, 2015. Collection method: clinical testing. Allele origin: germline. Inheritance: Autosomal dominant inheritance.

St. Jude Molecular Pathology, St. Jude Children's Research Hospital
Classification: Uncertain significance for Hereditary mixed polyposis syndrome. Last evaluated: 2022-08-03. Review status: criteria provided, single submitter. Criteria: St. Jude Assertion Criteria 2020. Collection method: clinical testing. Allele origin: germline.
Comment: the same text as in the submission from St. Jude Molecular Pathology, St. Jude Children's Research Hospital above.

Department of Pathology and Laboratory Medicine, Sinai Health System
Classification: Uncertain significance for Hereditary cancer-predisposing syndrome. Last evaluated: 2021-07-30. Review status: criteria provided, single submitter. Criteria: ACMG Guidelines, 2015. Collection method: research. Allele origin: germline.